The following is an entry in ClinVar:

ClinVar aggregate classification (germline): Uncertain significance (1 of 4 stars; one submission).

Submission:

Labcorp Genetics (formerly Invitae), Labcorp
Classification: Uncertain significance. Last evaluated: 2025-12-19. Review status: criteria provided, single submitter. Criteria: Invitae Variant Classification Sherloc (09022015). Collection method: clinical testing. Allele origin: germline.
Comment: This sequence change replaces glycine, which is neutral and non-polar, with valine, which is neutral and non-polar, at codon 182 of the CEP85L protein (p.Gly182Val). This variant is not present in population databases (gnomAD no frequency). This variant has not been reported in the literature in individuals affected with CEP85L-related conditions. An algorithm developed to predict the effect of missense changes on protein structure and function (PolyPhen-2) suggests that this variant is likely to be tolerated. In summary, the available evidence is currently insufficient to determine the role of this variant in disease. Therefore, it has been classified as a Variant of Uncertain Significance.

NM_001042475.3(CEP85L):c.545G>T (p.Gly182Val)

Gene: CEP85L (centrosomal protein 85L; minus strand). Cytogenetic location: 6q22.31.
Variant type: single nucleotide variant.
Coding change: c.545G>T on transcript NM_001042475.3 (MANE Select); coding-DNA position 545, G replaced by T.
Protein change: p.Gly182Val; replaces glycine 182 with valine.
Molecular consequence: missense variant.
Genome position (GRCh38, 1-based): chr6:118,566,004, C>A on the plus strand (G>T on the coding strand, the complement: CEP85L is on the minus strand). VCF-style: chr6-118566004-C-A. GRCh37 (hg19) VCF-style: chr6-118887167-C-A.
Other names: c.554G>T, p.Gly185Val (NM_001178035.2); c.545G>T, p.Gly182Val (NM_206921.3); short protein forms G182V, G185V.
Identifiers: ClinVar variation 4733611 (VCV004733611.1).